The following is an entry in ClinVar:

NM_000587.4(C7):c.1411A>T (p.Thr471Ser)

Gene: C7 (complement C7; plus strand). Cytogenetic location: 5p13.1.
Variant type: single nucleotide variant.
Coding change: c.1411A>T on transcript NM_000587.4 (MANE Select); coding-DNA position 1411, A replaced by T.
Protein change: p.Thr471Ser; replaces threonine 471 with serine.
Molecular consequence: missense variant.
Genome position (GRCh38, 1-based): chr5:40,958,183, A>T. VCF-style: chr5-40958183-A-T. GRCh37 (hg19) VCF-style: chr5-40958285-A-T.
Other names: short protein forms T471S.
Identifiers: ClinVar variation 1034275 (VCV001034275.5), dbSNP rs371379073, ClinGen allele CA3249957.

ClinVar aggregate classification (germline): Uncertain significance. Review status: criteria provided, multiple submitters, no conflicts (2 of 4 stars). 2 submissions from 2 submitters: Uncertain significance (2). Last evaluated 2024-02-08.

Conditions:
Complement component 7 deficiency (C7D). Also called: C7 DEFICIENCY. Identifiers: MedGen C1864694, MONDO:0012412, OMIM 610102.

Allele frequency attached by ClinVar (database versions not stated): TOPMed 0.00002; gnomAD exomes 0.00003; ExAC 0.00005; ESP Exome Variant Server 0.00008.
gnomAD v4.1: 85 of 1,613,496 alleles (0.0053%); highest among the groups gnomAD compares: Non-Finnish European, 0.007%; no homozygotes.

Submissions (2):

Labcorp Genetics (formerly Invitae), Labcorp
Classification: Uncertain significance. Last evaluated: 2024-02-08. Review status: criteria provided, single submitter. Criteria: Invitae Variant Classification Sherloc (09022015). Collection method: clinical testing. Allele origin: germline.
Comment: This sequence change replaces threonine, which is neutral and polar, with serine, which is neutral and polar, at codon 471 of the C7 protein (p.Thr471Ser). This variant is present in population databases (rs371379073, gnomAD 0.006%). This variant has not been reported in the literature in individuals affected with C7-related conditions. ClinVar contains an entry for this variant (Variation ID: 1034275). Advanced modeling of protein sequence and biophysical properties (such as structural, functional, and spatial information, amino acid conservation, physicochemical variation, residue mobility, and thermodynamic stability) performed at Invitae indicates that this missense variant is not expected to disrupt C7 protein function with a negative predictive value of 80%. In summary, the available evidence is currently insufficient to determine the role of this variant in disease. Therefore, it has been classified as a Variant of Uncertain Significance.

Baylor Genetics
Classification: Uncertain significance for Complement component 7 deficiency. Last evaluated: 2018-12-14. Review status: criteria provided, single submitter. Criteria: ACMG Guidelines, 2015. Collection method: clinical testing. Allele origin: paternal. Affected: yes.
Comment: This variant was determined to be of uncertain significance according to ACMG Guidelines, 2015 [PMID:25741868].